The following is an entry in ClinVar:

NM_182641.4(BPTF):c.1400G>A (p.Arg467Gln)

Gene: BPTF (bromodomain PHD finger transcription factor; plus strand). Cytogenetic location: 17q24.2.
Variant type: single nucleotide variant.
Coding change: c.1400G>A on transcript NM_182641.4 (MANE Select); coding-DNA position 1400, G replaced by A.
Protein change: p.Arg467Gln; replaces arginine 467 with glutamine.
Molecular consequence: missense variant.
Genome position (GRCh38, 1-based): chr17:67,854,726, G>A. VCF-style: chr17-67854726-G-A. GRCh37 (hg19) VCF-style: chr17-65850842-G-A.
Other names: c.1400G>A, p.Arg467Gln (NM_004459.7); short protein forms R467Q.
Identifiers: ClinVar variation 3730393 (VCV003730393.2).

ClinVar aggregate classification (germline): Uncertain significance (1 of 4 stars; one submission).

gnomAD v4.1: 12 of 1,613,946 alleles (0.00074%); highest among the groups gnomAD compares: South Asian, 0.0011%; no homozygotes.

Submission:

Labcorp Genetics (formerly Invitae), Labcorp
Classification: Uncertain significance. Last evaluated: 2024-08-23. Review status: criteria provided, single submitter. Criteria: Invitae Variant Classification Sherloc (09022015). Collection method: clinical testing. Allele origin: germline.
Comment: This sequence change replaces arginine, which is basic and polar, with glutamine, which is neutral and polar, at codon 467 of the BPTF protein (p.Arg467Gln). This variant is present in population databases (rs761831796, gnomAD 0.004%). This variant has not been reported in the literature in individuals affected with BPTF-related conditions. An algorithm developed to predict the effect of missense changes on protein structure and function (PolyPhen-2) suggests that this variant is likely to be tolerated. In summary, the available evidence is currently insufficient to determine the role of this variant in disease. Therefore, it has been classified as a Variant of Uncertain Significance.